The following is an entry in ClinVar:

NM_024685.4(BBS10):c.340C>G (p.Gln114Glu)

Gene: BBS10 (Bardet-Biedl syndrome 10; minus strand). Cytogenetic location: 12q21.2.
Variant type: single nucleotide variant.
Coding change: c.340C>G on transcript NM_024685.4 (MANE Select); coding-DNA position 340, C replaced by G.
Protein change: p.Gln114Glu; replaces glutamine 114 with glutamic acid.
Molecular consequence: missense variant.
Genome position (GRCh38, 1-based): chr12:76,347,645, G>C on the plus strand (C>G on the coding strand, the complement: BBS10 is on the minus strand). VCF-style: chr12-76347645-G-C. GRCh37 (hg19) VCF-style: chr12-76741425-G-C.
Other names: short protein forms Q114E.
Identifiers: ClinVar variation 1979392 (VCV001979392.3), dbSNP rs1212536148, ClinGen allele CA385815716.

ClinVar aggregate classification (germline): Uncertain significance (1 of 4 stars; one submission).

Conditions:
Bardet-Biedl syndrome (BBS). Identifiers: Orphanet 110, MedGen C0752166, MONDO:0015229.

Allele frequency attached by ClinVar (database versions not stated): gnomAD 0.00001; TOPMed 0.00001.

Submission:

Labcorp Genetics (formerly Invitae), Labcorp
Classification: Uncertain significance for Bardet-Biedl syndrome. Last evaluated: 2024-01-22. Review status: criteria provided, single submitter. Criteria: Invitae Variant Classification Sherloc (09022015). Collection method: clinical testing. Allele origin: germline.
Comment: This sequence change replaces glutamine, which is neutral and polar, with glutamic acid, which is acidic and polar, at codon 114 of the BBS10 protein (p.Gln114Glu). This variant is present in population databases (no rsID available, gnomAD 0.0009%). This variant has not been reported in the literature in individuals affected with BBS10-related conditions. ClinVar contains an entry for this variant (Variation ID: 1979392). Advanced modeling of protein sequence and biophysical properties (such as structural, functional, and spatial information, amino acid conservation, physicochemical variation, residue mobility, and thermodynamic stability) has been performed at Invitae for this missense variant, however the output from this modeling did not meet the statistical confidence thresholds required to predict the impact of this variant on BBS10 protein function. In summary, the available evidence is currently insufficient to determine the role of this variant in disease. Therefore, it has been classified as a Variant of Uncertain Significance.